The following is an entry in ClinVar:

NM_001002295.2(GATA3):c.431G>A (p.Gly144Asp)

Gene: GATA3 (GATA binding protein 3; plus strand). Cytogenetic location: 10p14.
Variant type: single nucleotide variant.
Coding change: c.431G>A on transcript NM_001002295.2 (MANE Select); coding-DNA position 431, G replaced by A.
Protein change: p.Gly144Asp; replaces glycine 144 with aspartic acid.
Molecular consequence: missense variant.
Genome position (GRCh38, 1-based): chr10:8,058,494, G>A. VCF-style: chr10-8058494-G-A. GRCh37 (hg19) VCF-style: chr10-8100457-G-A.
Other names: c.431G>A, p.Gly144Asp (NM_002051.3); short protein forms G144D.
Identifiers: ClinVar variation 3012249 (VCV003012249.4), dbSNP rs754386700, ClinGen allele CA5404368.

ClinVar aggregate classification (germline): Uncertain significance. Review status: criteria provided, multiple submitters, no conflicts (2 of 4 stars). 2 submissions from 2 submitters: Uncertain significance (2). Last evaluated 2024-04-23.

Conditions:
Hypoparathyroidism, deafness, renal disease syndrome (HDRS). Also called: HYPOPARATHYROIDISM, SENSORINEURAL DEAFNESS, AND RENAL DYSPLASIA SYNDROME. Identifiers: Orphanet 2237, MedGen C1840333, MONDO:0007797, OMIM 146255.

Allele frequency attached by ClinVar (database versions not stated): ExAC 0.00001; gnomAD exomes 0.00001; TOPMed 0.00001.

Submissions (2):

Fulgent Genetics
Classification: Uncertain significance for Hypoparathyroidism, deafness, renal disease syndrome. Last evaluated: 2024-04-23. Review status: criteria provided, single submitter. Criteria: ACMG Guidelines, 2015. Collection method: clinical testing. Allele origin: germline.

Labcorp Genetics (formerly Invitae), Labcorp
Classification: Uncertain significance. Last evaluated: 2023-09-23. Review status: criteria provided, single submitter. Criteria: Invitae Variant Classification Sherloc (09022015). Collection method: clinical testing. Allele origin: germline.
Comment: This sequence change replaces glycine, which is neutral and non-polar, with aspartic acid, which is acidic and polar, at codon 144 of the GATA3 protein (p.Gly144Asp). This variant is present in population databases (rs754386700, gnomAD 0.0009%). This variant has not been reported in the literature in individuals affected with GATA3-related conditions. Advanced modeling of protein sequence and biophysical properties (such as structural, functional, and spatial information, amino acid conservation, physicochemical variation, residue mobility, and thermodynamic stability) performed at Invitae indicates that this missense variant is not expected to disrupt GATA3 protein function. In summary, the available evidence is currently insufficient to determine the role of this variant in disease. Therefore, it has been classified as a Variant of Uncertain Significance.